The following is an entry in ClinVar:

ClinVar aggregate classification (germline): Benign (0 of 4 stars; one submission).

Conditions:
ATP2C2-related disorder. Also called: ATP2C2-related condition.

Allele frequency attached by ClinVar (database versions not stated): TOPMed 0.00009; gnomAD 0.00029; gnomAD exomes 0.00062; 1000 Genomes Project 0.00120; ExAC 0.00137; 1000 Genomes Project 30x 0.00156.
gnomAD v4.1: 951 of 1,592,656 alleles (0.06%); highest among the groups gnomAD compares: South Asian, 1%; 18 homozygotes.

Submission:

PreventionGenetics, part of Exact Sciences
Classification: Benign for ATP2C2-related condition. Last evaluated: 2019-05-08. Review status: no assertion criteria provided. Collection method: clinical testing. Allele origin: germline.
Comment: This variant is classified as benign based on ACMG/AMP sequence variant interpretation guidelines (Richards et al. 2015 PMID: 25741868, with internal and published modifications).

NM_014861.4(ATP2C2):c.1422A>C (p.Lys474Asn)

Gene: ATP2C2 (ATPase secretory pathway Ca2+ transporting 2; plus strand). Cytogenetic location: 16q24.1.
Variant type: single nucleotide variant.
Coding change: c.1422A>C on transcript NM_014861.4 (MANE Select); coding-DNA position 1422, A replaced by C.
Protein change: p.Lys474Asn; replaces lysine 474 with asparagine.
Molecular consequence: missense variant.
Genome position (GRCh38, 1-based): chr16:84,446,349, A>C. VCF-style: chr16-84446349-A-C. GRCh37 (hg19) VCF-style: chr16-84479955-A-C.
Other names: c.969A>C, p.Lys323Asn (NM_001291454.2); c.1422A>C, p.Lys474Asn (NM_001286527.3); short protein forms K323N, K474N.
Identifiers: ClinVar variation 3042144 (VCV003042144.2), dbSNP rs376718837, ClinGen allele CA8207382.
Genomic context (GRCh38, chr16:84,446,349, plus strand): 5'-TCGGATGACTCACTAAAAATGTGTCATTTTATTATGCTAGATGGACTTAAGTGATATTAA[A>C]AATTCATATATAAGAAAAAAAGAGATTCCATTCAGTTCAGAGCAGAAGTGGATGGCGGTG-3'
Protein context (NP_055676.3, residues 464-484): LAMKMDLSDI[Lys474Asn]NSYIRKKEIP